The following is an entry in ClinVar:

ClinVar aggregate classification (germline): Conflicting classifications of pathogenicity. Review status: criteria provided, conflicting classifications (1 of 4 stars). 7 submissions from 7 submitters: Uncertain significance (5); Likely benign (2). Last evaluated 2025-09-10.

Conditions:
JAG1-related disorder. Also called: JAG1-related disorders; JAG1-related condition.
Cardiovascular phenotype. Identifiers: MedGen CN230736.
Alagille syndrome due to a JAG1 point mutation. Also called: Alagille Syndrome 1; HEPATIC DUCTULAR HYPOPLASIA, SYNDROMATIC; JAG1-Related Alagille Syndrome. Identifiers: Orphanet 261619, Orphanet 52, MedGen C1956125, MONDO:0016862, OMIM 118450.
Deafness, congenital heart defects, and posterior embryotoxon (DCHE). Identifiers: MedGen C1866053, MONDO:0060713, OMIM 617992.
Tetralogy of Fallot (TOF). Identifiers: Orphanet 3303, MedGen C0039685, MONDO:0008542, OMIM 187500, HP:0001636.
Charcot-Marie-Tooth disease, axonal, Type 2HH. Also called: CHARCOT-MARIE-TOOTH NEUROPATHY, TYPE 2HH. Identifiers: MedGen C5562003, MONDO:0030458, OMIM 619574.

Allele frequency attached by ClinVar (database versions not stated): gnomAD exomes below 0.00001 and 0.00001; gnomAD 0.00001; TOPMed 0.00002.
gnomAD v4.1: 22 of 1,614,058 alleles (0.0014%); highest among the groups gnomAD compares: East Asian, 0.0022%; no homozygotes.

Submissions (7):

Genomic Medicine Center of Excellence, King Faisal Specialist Hospital and Research Centre
Classification: Uncertain significance for Alagille syndrome due to a JAG1 point mutation. Last evaluated: 2025-09-10. Review status: criteria provided, single submitter. Criteria: ACMG Guidelines, 2015. Collection method: clinical testing. Allele origin: germline.

Ambry Genetics
Classification: Uncertain significance for Cardiovascular phenotype. Last evaluated: 2024-12-05. Review status: criteria provided, single submitter. Criteria: Ambry Variant Classification Scheme 2023. Collection method: clinical testing. Allele origin: germline.
Comment: The p.A1175V variant (also known as c.3524C>T), located in coding exon 26 of the JAG1 gene, results from a C to T substitution at nucleotide position 3524. The alanine at codon 1175 is replaced by valine, an amino acid with similar properties. This amino acid position is conserved. In addition, this alteration is predicted to be tolerated by in silico analysis. Since supporting evidence is limited at this time, the clinical significance of this alteration remains unclear.

Labcorp Genetics (formerly Invitae), Labcorp
Classification: Likely benign for Alagille syndrome due to a JAG1 point mutation. Last evaluated: 2024-11-27. Review status: criteria provided, single submitter. Criteria: Invitae Variant Classification Sherloc (09022015). Collection method: clinical testing. Allele origin: germline.

Fulgent Genetics
Classification: Uncertain significance for Alagille syndrome due to a JAG1 point mutation; Tetralogy of Fallot; Deafness, congenital heart defects, and posterior embryotoxon; Charcot-Marie-Tooth disease, axonal, Type 2HH. Last evaluated: 2024-02-10. Review status: criteria provided, single submitter. Criteria: ACMG Guidelines, 2015. Collection method: clinical testing. Allele origin: germline.

PreventionGenetics, part of Exact Sciences
Classification: Uncertain significance for JAG1-related condition. Last evaluated: 2023-10-12. Review status: criteria provided, single submitter. Criteria: ACMG Guidelines, 2015. Collection method: clinical testing. Allele origin: germline.
Comment: The JAG1 c.3524C>T variant is predicted to result in the amino acid substitution p.Ala1175Val. To our knowledge, this variant has not been reported in the literature. This variant is reported in 0.00088% of alleles in individuals of European (Non-Finnish) descent in gnomAD. At this time, the clinical significance of this variant is uncertain due to the absence of conclusive functional and genetic evidence.

Blueprint Genetics
Classification: Likely benign. Last evaluated: 2022-07-18. Review status: criteria provided, single submitter. Criteria: ACMG Guidelines, 2015. Collection method: clinical testing. Allele origin: germline.

Eurofins Ntd Llc (ga)
Classification: Uncertain significance. Last evaluated: 2018-05-17. Review status: criteria provided, single submitter. Criteria: EGL ClinVar v180209 classification definitions. Collection method: clinical testing. Allele origin: germline. Observed: 1 variant allele, 1 heterozygote.

NM_000214.3(JAG1):c.3524C>T (p.Ala1175Val)

Gene: JAG1 (jagged canonical Notch ligand 1; minus strand). Cytogenetic location: 20p12.2.
Variant type: single nucleotide variant.
Coding change: c.3524C>T on transcript NM_000214.3 (MANE Select); coding-DNA position 3524, C replaced by T.
Protein change: p.Ala1175Val; replaces alanine 1175 with valine.
Molecular consequence: missense variant.
Genome position (GRCh38, 1-based): chr20:10,639,631, G>A on the plus strand (C>T on the coding strand, the complement: JAG1 is on the minus strand). VCF-style: chr20-10639631-G-A. GRCh37 (hg19) VCF-style: chr20-10620279-G-A.
Other names: c.3524C>T, p.Ala1175Val (LRG_1191t1); short protein forms A1175V.
Identifiers: ClinVar variation 597241 (VCV000597241.21), dbSNP rs918046091, ClinGen allele CA311367334.
Genomic context (GRCh38, chr20:10,639,631, plus strand): 5'-TTTGGGTGTTTTGTCGGCGTGCCGTTGGGGGGCTTCTCTTCTCTGTCTACCAGCGTGTAC[G>A]CCGGCTGCTTGGCAAACCGGGCTTTCTGCTGGTGTTTGTCCATGTCGTCCTCTTCTACTT-3'
Protein context (NP_000205.1, residues 1165-1185): QQKARFAKQP[Ala1175Val]YTLVDREEKP